The following is an entry in ClinVar:

ClinVar aggregate classification (germline): Uncertain significance (1 of 4 stars; one submission).

gnomAD v4.1: 10 of 1,613,368 alleles (0.00062%); highest among the groups gnomAD compares: East Asian, 0.0022%; 1 homozygote.

Submission:

Labcorp Genetics (formerly Invitae), Labcorp
Classification: Uncertain significance. Last evaluated: 2026-01-19. Review status: criteria provided, single submitter. Criteria: Invitae Variant Classification Sherloc (09022015). Collection method: clinical testing. Allele origin: germline.
Comment: This sequence change falls in intron 28 of the TBCD gene. It does not directly change the encoded amino acid sequence of the TBCD protein. It affects a nucleotide within the consensus splice site. This variant is not present in population databases (gnomAD no frequency). This variant has not been reported in the literature in individuals affected with TBCD-related conditions. Variants that disrupt the consensus splice site are a relatively common cause of aberrant splicing (PMID: 17576681, 9536098). Algorithms developed to predict the effect of sequence changes on RNA splicing suggest that this variant is not likely to affect RNA splicing. In summary, the available evidence is currently insufficient to determine the role of this variant in disease. Therefore, it has been classified as a Variant of Uncertain Significance.

Literature cited by the submitters: PubMed 17576681; PubMed 9536098.

NM_005993.5(TBCD):c.2471+3G>A

Gene: TBCD (tubulin folding cofactor D). Cytogenetic location: 17q25.3.
Variant type: single nucleotide variant.
Coding change: c.2471+3G>A on transcript NM_005993.5 (MANE Select); 3 bases into the intron after coding-DNA position 2471, G replaced by A.
Molecular consequence: intron variant.
Genome position (GRCh38, 1-based): chr17:82,926,494, G>A. VCF-style: chr17-82926494-G-A. GRCh37 (hg19) VCF-style: chr17-80884370-G-A.
Other names: c.2390+3G>A (NM_001411102.1); c.2114+3G>A (NM_001437989.1); c.2420+3G>A (NM_001411101.1); c.2282+3G>A (NM_001438250.1).
Identifiers: ClinVar variation 4776201 (VCV004776201.1).